The following is an entry in ClinVar:

ClinVar aggregate classification (germline): Uncertain significance (1 of 4 stars; one submission).

Conditions:
Gamma-aminobutyric acid transaminase deficiency (GABATD). Also called: GABA transaminase deficiency; Gamma aminobutyrate transaminase deficiency; 4 alpha aminobutyrate transaminase deficiency; GABA aminotransaminase deficiency. Identifiers: Orphanet 2066, MedGen C0342708, MONDO:0013166, OMIM 613163.

Submission:

Laboratory of Medical Genetics, National & Kapodistrian University of Athens
Classification: Uncertain significance for Gamma-aminobutyric acid transaminase deficiency. Last evaluated: 2022-07-23. Review status: criteria provided, single submitter. Criteria: ACMG Guidelines, 2015. Collection method: clinical testing. Allele origin: paternal. Inheritance: Autosomal recessive inheritance. Affected: yes.

NM_020686.6(ABAT):c.1153G>T (p.Asp385Tyr)

Gene: ABAT (4-aminobutyrate aminotransferase; plus strand). Cytogenetic location: 16p13.2.
Variant type: single nucleotide variant.
Coding change: c.1153G>T on transcript NM_020686.6 (MANE Select); coding-DNA position 1153, G replaced by T.
Protein change: p.Asp385Tyr; replaces aspartic acid 385 with tyrosine.
Molecular consequence: missense variant.
Genome position (GRCh38, 1-based): chr16:8,776,374, G>T. VCF-style: chr16-8776374-G-T. GRCh37 (hg19) VCF-style: chr16-8870231-G-T.
Other names: c.1153G>T, p.Asp385Tyr (NM_000663.5, NM_001127448.2, NM_001386600.1 and 6 more transcripts); c.1114G>T, p.Asp372Tyr (NM_001386605.1); c.1090G>T, p.Asp364Tyr (NM_001386606.1, NM_001386607.1); c.1060G>T, p.Asp354Tyr (NM_001386608.1); c.1018G>T, p.Asp340Tyr (NM_001386610.1, NM_001386611.1); c.955G>T, p.Asp319Tyr (NM_001386612.1, NM_001386613.1); c.907G>T, p.Asp303Tyr (NM_001386614.1); c.1249G>T, p.Asp417Tyr (NM_001386615.1); short protein forms D303Y, D319Y, D340Y, D354Y, D364Y, D372Y, D385Y, D417Y.
Identifiers: ClinVar variation 1698380 (VCV001698380.2), dbSNP rs2142998238, ClinGen allele CA394690198.